The following is an entry in ClinVar:

ClinVar aggregate classification (germline): Uncertain significance. Review status: criteria provided, multiple submitters, no conflicts (2 of 4 stars). 2 submissions from 2 submitters: Uncertain significance (2). Last evaluated 2025-01-01.

Conditions:
Cardiomyopathy (CMYO). Also called: Cardiomyopathies. Identifiers: Orphanet 167848, MedGen C0878544, MONDO:0004994, HP:0001638. Inheritance: Various modes of inheritance.
Danon disease. Also called: PSEUDOGLYCOGENOSIS II; GSD IIb; LYSOSOMAL GLYCOGEN STORAGE DISEASE WITHOUT ACID MALTASE DEFICIENCY; ANTOPOL DISEASE; Glycogen Storage Disease Type IIb. Identifiers: Orphanet 34587, MedGen C0878677, MONDO:0010281, OMIM 300257.

Allele frequency attached by ClinVar (database versions not stated): gnomAD exomes below 0.00001.

Submissions (2):

Labcorp Genetics (formerly Invitae), Labcorp
Classification: Uncertain significance for Danon disease. Last evaluated: 2025-01-01. Review status: criteria provided, single submitter. Criteria: Invitae Variant Classification Sherloc (09022015). Collection method: clinical testing. Allele origin: germline.
Comment: This sequence change replaces asparagine, which is neutral and polar, with serine, which is neutral and polar, at codon 257 of the LAMP2 protein (p.Asn257Ser). This variant is not present in population databases (gnomAD no frequency). This missense change has been observed in individual(s) with hypertrophic cardiomyopathy (PMID: 32150461). ClinVar contains an entry for this variant (Variation ID: 626563). Invitae Evidence Modeling of protein sequence and biophysical properties (such as structural, functional, and spatial information, amino acid conservation, physicochemical variation, residue mobility, and thermodynamic stability) indicates that this missense variant is not expected to disrupt LAMP2 protein function with a negative predictive value of 80%. In summary, the available evidence is currently insufficient to determine the role of this variant in disease. Therefore, it has been classified as a Variant of Uncertain Significance.

CHEO Genetics Diagnostic Laboratory, Children's Hospital of Eastern Ontario
Classification: Uncertain significance for Cardiomyopathy. Last evaluated: 2016-03-04. Review status: criteria provided, single submitter. Criteria: ACMG Guidelines, 2015. Collection method: clinical testing. Allele origin: germline. Study: Canadian Open Genetics Repository.

Literature cited by the submitters: PubMed 32150461 (cited by Labcorp Genetics (formerly Invitae), Labcorp).

NM_002294.3(LAMP2):c.770A>G (p.Asn257Ser)

Gene: LAMP2 (lysosome associated membrane protein 2; minus strand). Cytogenetic location: Xq24.
Variant type: single nucleotide variant.
Coding change: c.770A>G on transcript NM_002294.3 (MANE Select); coding-DNA position 770, A replaced by G.
Protein change: p.Asn257Ser; replaces asparagine 257 with serine.
Molecular consequence: missense variant.
Genome position (GRCh38, 1-based): chrX:120,446,399, T>C on the plus strand (A>G on the coding strand, the complement: LAMP2 is on the minus strand). VCF-style: chrX-120446399-T-C. GRCh37 (hg19) VCF-style: chrX-119580254-T-C.
Other names: c.770A>G, p.Asn257Ser (NM_001122606.1, NM_013995.2); short protein forms N257S.
Identifiers: ClinVar variation 626563 (VCV000626563.5), dbSNP rs1569369275, ClinGen allele CA414401006.